The following is an entry in ClinVar:

ClinVar aggregate classification (germline): Conflicting classifications of pathogenicity. Review status: criteria provided, conflicting classifications (1 of 4 stars). 2 submissions from 2 submitters: Uncertain significance (1); Likely benign (1). Last evaluated 2024-06-21.

Conditions:
Hereditary breast ovarian cancer syndrome. Also called: BRCA1- and BRCA2-Associated Hereditary Breast and Ovarian Cancer; Hereditary breast and ovarian cancer syndrome (HBOC); Hereditary breast and/or ovarian cancer syndrome; Hereditary breast and ovarian cancer; Breast and ovarian cancer; Hereditary breast and ovarian cancer syndrome. Identifiers: Orphanet 145, MedGen C0677776, MeSH D061325, MONDO:0003582. Disease mechanism: loss of function.
Hereditary cancer-predisposing syndrome. Also called: Hereditary neoplastic syndrome; Hereditary Cancer Syndrome; Tumor predisposition; Neoplastic Syndromes, Hereditary. Identifiers: Orphanet 140162, MedGen C0027672, MeSH D009386, MONDO:0015356.

Submissions (2):

Labcorp Genetics (formerly Invitae), Labcorp
Classification: Uncertain significance for Hereditary breast ovarian cancer syndrome. Last evaluated: 2024-06-21. Review status: criteria provided, single submitter. Criteria: Invitae Variant Classification Sherloc (09022015). Collection method: clinical testing. Allele origin: germline.
Comment: This sequence change replaces glutamic acid, which is acidic and polar, with glycine, which is neutral and non-polar, at codon 1688 of the BRCA2 protein (p.Glu1688Gly). This variant is not present in population databases (gnomAD no frequency). This variant has not been reported in the literature in individuals affected with BRCA2-related conditions. ClinVar contains an entry for this variant (Variation ID: 2006892). Advanced modeling of protein sequence and biophysical properties (such as structural, functional, and spatial information, amino acid conservation, physicochemical variation, residue mobility, and thermodynamic stability) performed at Invitae indicates that this missense variant is not expected to disrupt BRCA2 protein function with a negative predictive value of 95%. In summary, the available evidence is currently insufficient to determine the role of this variant in disease. Therefore, it has been classified as a Variant of Uncertain Significance.

University of Washington Department of Laboratory Medicine, University of Washington
Classification: Likely benign for Hereditary cancer-predisposing syndrome. Last evaluated: 2023-03-23. Review status: criteria provided, single submitter. Criteria: Dines et al. (Genet Med. 2020). Collection method: curation. Allele origin: germline.
Comment: Missense variant in a coldspot region where missense variants are very unlikely to be pathogenic (PMID:31911673).

BRCA2 exon 11 coldspot. Reclassification based on statistical prior probability.

NM_000059.4(BRCA2):c.5063A>G (p.Glu1688Gly)

Gene: BRCA2 (BRCA2 DNA repair associated; plus strand). Cytogenetic location: 13q13.1.
Variant type: single nucleotide variant.
Coding change: c.5063A>G on transcript NM_000059.4 (MANE Select); coding-DNA position 5063, A replaced by G.
Protein change: p.Glu1688Gly; replaces glutamic acid 1688 with glycine.
Molecular consequence: missense variant.
Genome position (GRCh38, 1-based): chr13:32,339,418, A>G. VCF-style: chr13-32339418-A-G. GRCh37 (hg19) VCF-style: chr13-32913555-A-G.
Other names: c.5063A>G, p.Glu1688Gly (NM_001406719.1, NM_001406720.1); short protein forms E1688G.
Identifiers: ClinVar variation 2006892 (VCV002006892.6), dbSNP rs2137513609, ClinGen allele CA387784045.
Genomic context (GRCh38, chr13:32,339,418, plus strand): 5'-CCTTAGCTTTTTACACAAGTTGTAGTAGAAAAACTTCTGTGAGTCAGACTTCATTACTTG[A>G]AGCAAAAAAATGGCTTAGAGAAGGAATATTTGATGGTCAACCAGAAAGAATAAATACTGC-3'
Protein context (NP_000050.3, residues 1678-1698): KTSVSQTSLL[Glu1688Gly]AKKWLREGIF